The following is an entry in ClinVar:

NM_004329.3(BMPR1A):c.90T>G (p.Leu30=)

Gene: BMPR1A (bone morphogenetic protein receptor type 1A; plus strand). Cytogenetic location: 10q23.2.
Variant type: single nucleotide variant.
Coding change: c.90T>G on transcript NM_004329.3 (MANE Select); coding-DNA position 90, T replaced by G.
Protein change: p.Leu30=; no amino-acid change (leucine 30 retained).
Molecular consequence: synonymous variant. On other transcripts: non-coding transcript variant (3).
Genome position (GRCh38, 1-based): chr10:86,890,084, T>G. VCF-style: chr10-86890084-T-G. GRCh37 (hg19) VCF-style: chr10-88649841-T-G.
Other names: c.90T>G, p.Leu30= (NM_001406565.1, NM_001406566.1, NM_001406567.1 and 23 more transcripts); c.6T>G, p.Leu2= (NM_001406584.1, NM_001406585.1, NM_001406586.1 and 2 more transcripts).
Identifiers: ClinVar variation 3378492 (VCV003378492.1).

ClinVar aggregate classification (germline): Benign (1 of 4 stars; one submission).

Conditions:
Juvenile polyposis syndrome (JPS). Identifiers: Orphanet 2929, MedGen C0345893, MONDO:0017380, OMIM 174900.

Submission:

Myriad Genetics, Inc.
Classification: Benign for Juvenile polyposis syndrome. Last evaluated: 2024-07-31. Review status: criteria provided, single submitter. Criteria: Myriad Autosomal Dominant, Autosomal Recessive and X-Linked Classification Criteria (2023). Collection method: clinical testing. Allele origin: unknown.
Comment: This variant is considered benign. This variant is a silent/synonymous amino acid change and it is not expected to impact splicing.